The following is an entry in ClinVar:

NM_000245.4(MET):c.3260-12del

Gene: MET (MET proto-oncogene, receptor tyrosine kinase; plus strand). Cytogenetic location: 7q31.2.
Variant type: Deletion.
Coding change: c.3260-12del on transcript NM_000245.4 (MANE Select); 12 bases into the intron before coding-DNA position 3260, one base deleted (T; older notation c.3260-12delT).
Molecular consequence: intron variant.
Genome position (GRCh38, 1-based): chr7:116,777,377, T deleted; the last of 3 consecutive T bases (chr7:116,777,375-116,777,377); deleting any one gives the same sequence. VCF-style (leftmost placement, unchanged base first): chr7-116777374-CT-C. GRCh37 (hg19) VCF-style: chr7-116417428-CT-C.
Other names: c.3314-12del (NM_001127500.3); c.1970-12del (NM_001324402.2).
Identifiers: ClinVar variation 1919624 (VCV001919624.6), dbSNP rs2485815711, ClinGen allele CA2580076244.

ClinVar aggregate classification (germline): Likely benign. Review status: criteria provided, multiple submitters, no conflicts (2 of 4 stars). 2 submissions from 2 submitters: Likely benign (2). Last evaluated 2024-11-13.

Conditions:
Renal cell carcinoma. Identifiers: Orphanet 217071, MedGen C0007134, MeSH D002292, MONDO:0005086, HP:0005584.
Papillary renal cell carcinoma type 1 (RCCP1). Also called: RENAL CELL CARCINOMA, PAPILLARY, 1, SOMATIC; Renal adenocarcinoma; Renal cell carcinoma 1; Renal cell carcinoma, somatic. Identifiers: Orphanet 47044, MedGen C1336839, OMIM 605074, HP:0011797.

Submissions (2):

Myriad Genetics, Inc.
Classification: Likely benign for Papillary renal cell carcinoma type 1. Last evaluated: 2024-11-13. Review status: criteria provided, single submitter. Criteria: Myriad Autosomal Dominant, Autosomal Recessive and X-Linked Classification Criteria (2023). Collection method: clinical testing. Allele origin: unknown.
Comment: This variant is considered likely benign. This variant is intronic and is not expected to impact mRNA splicing.

Labcorp Genetics (formerly Invitae), Labcorp
Classification: Likely benign for Renal cell carcinoma. Last evaluated: 2023-07-28. Review status: criteria provided, single submitter. Criteria: Invitae Variant Classification Sherloc (09022015). Collection method: clinical testing. Allele origin: germline.